The following is an entry in ClinVar:

NM_000203.5(IDUA):c.1402+5G>A

Gene: IDUA (alpha-L-iduronidase; plus strand). Cytogenetic location: 4p16.3.
Variant type: single nucleotide variant.
Coding change: c.1402+5G>A on transcript NM_000203.5 (MANE Select); 5 bases into the intron after coding-DNA position 1402, G replaced by A.
Molecular consequence: intron variant.
Genome position (GRCh38, 1-based): chr4:1,002,949, G>A. VCF-style: chr4-1002949-G-A. GRCh37 (hg19) VCF-style: chr4-996737-G-A.
Other names: c.1006+5G>A (NM_001363576.1).
Identifiers: ClinVar variation 2196833 (VCV002196833.1), dbSNP rs1039668945, ClinGen allele CA91170157.
Genomic context (GRCh38, chr4:1,002,949, plus strand): 5'-CCCCAACCGCAGCGTCGCGGTGACCCTGCGGCTGCGCGGGGTGCCCCCCGGCCCGGGTAA[G>A]CCGGGGTTCCAGGGAGGTCTCTGGCCCCGCTGGGGCTCTGGAGGGGGCGGCCCGGGGAGC-3'

ClinVar aggregate classification (germline): Uncertain significance (1 of 4 stars; one submission).

Conditions:
Mucopolysaccharidosis type 1. Also called: IDUA deficiency; MPS I. Identifiers: Orphanet 579, MedGen C0023786, MONDO:0001586.

Allele frequency attached by ClinVar (database versions not stated): gnomAD 0.00006.
gnomAD v4.1: 114 of 1,363,620 alleles (0.0084%); highest among the groups gnomAD compares: Non-Finnish European, 0.0099%; no homozygotes.

Submission:

Labcorp Genetics (formerly Invitae), Labcorp
Classification: Uncertain significance for Mucopolysaccharidosis type 1. Last evaluated: 2022-09-27. Review status: criteria provided, single submitter. Criteria: Invitae Variant Classification Sherloc (09022015). Collection method: clinical testing. Allele origin: germline.
Comment: This sequence change falls in intron 9 of the IDUA gene. It does not directly change the encoded amino acid sequence of the IDUA protein. It affects a nucleotide within the consensus splice site. This variant is present in population databases (no rsID available, gnomAD 0.07%). This variant has not been reported in the literature in individuals affected with IDUA-related conditions. Variants that disrupt the consensus splice site are a relatively common cause of aberrant splicing (PMID: 17576681, 9536098). Algorithms developed to predict the effect of sequence changes on RNA splicing suggest that this variant may disrupt the consensus splice site. In summary, the available evidence is currently insufficient to determine the role of this variant in disease. Therefore, it has been classified as a Variant of Uncertain Significance.

Literature cited by the submitters: PubMed 17576681; PubMed 9536098.